The following is an entry in ClinVar:

ClinVar aggregate classification (germline): Likely pathogenic (0 of 4 stars; one submission).

Conditions:
Rapadilino syndrome. Identifiers: Orphanet 3021, MedGen C1849453, MONDO:0009955, OMIM 266280.

Allele frequency attached by ClinVar (database versions not stated): gnomAD exomes below 0.00001.

Submission:

Juha Muilu Group; Institute for Molecular Medicine Finland (FIMM)
Classification: Likely pathogenic for Rapadilino syndrome. Review status: no assertion criteria provided. Collection method: not provided. Allele origin: unknown.
Comment: FinDis database variant: This variant was not found or characterized by our laboratory, data were collected from public sources: see reference
ClinVar note: Converted during submission from probable-pathogenic to Likely pathogenic.

NM_004260.4(RECQL4):c.3599_3600del (p.Thr1200fs)

Gene: RECQL4 (RecQ like helicase 4; minus strand). Cytogenetic location: 8q24.3.
Variant type: Deletion.
Coding change: c.3599_3600del on transcript NM_004260.4 (MANE Select); coding-DNA positions 3599 to 3600, 2 bases deleted (CG; older notation c.3599_3600delCG).
Protein change: p.Thr1200fs; shifts the reading frame from threonine 1200.
Molecular consequence: frameshift variant.
Genome position (GRCh38, 1-based): chr8:144,511,458-144,511,459, CG deleted on the plus strand (CG on the coding strand, the reverse complement: RECQL4 is on the minus strand). VCF-style (leftmost placement, unchanged base first): chr8-144511457-CCG-C. GRCh37 (hg19) VCF-style: chr8-145736840-CCG-C.
Other names: c.3599_3600delCG (NM_004260.3); short protein forms T1200fs.
Identifiers: ClinVar variation 56410 (VCV000056410.2), dbSNP rs386833854, ClinGen allele CA144342.
Genomic context (GRCh38, chr8:144,511,457, plus strand): 5'-CCAGCTCTACCCGACATCCCCCAATGCAGTGCAGTCAGCGGGCCACCTGCAGGAGCTCTT[CCG>C]TGGCCAGGCCCACCAGGGCATGGAAGCTCAGGTGCAGGTATTTTCTCCAGAAGCGTCGGT-3'